The following is an entry in ClinVar:

NM_198506.5(LRIT3):c.1685A>G (p.Gln562Arg)

Gene: LRIT3 (leucine rich repeat, Ig-like and transmembrane domains 3; plus strand). Cytogenetic location: 4q25.
Variant type: single nucleotide variant.
Coding change: c.1685A>G on transcript NM_198506.5 (MANE Select); coding-DNA position 1685, A replaced by G.
Protein change: p.Gln562Arg; replaces glutamine 562 with arginine.
Molecular consequence: missense variant.
Genome position (GRCh38, 1-based): chr4:109,870,434, A>G. VCF-style: chr4-109870434-A-G. GRCh37 (hg19) VCF-style: chr4-110791590-A-G.
Other names: short protein forms Q562R.
Identifiers: ClinVar variation 1516277 (VCV001516277.8), dbSNP rs2125901746, ClinGen allele CA357872536.

ClinVar aggregate classification (germline): Uncertain significance (1 of 4 stars; one submission).

Allele frequency attached by ClinVar (database versions not stated): gnomAD exomes below 0.00001.
gnomAD v4.1: 1 of 1,614,214 alleles (0.000062%); highest among the groups gnomAD compares: South Asian, 0.0011%; no homozygotes.

Submission:

Labcorp Genetics (formerly Invitae), Labcorp
Classification: Uncertain significance. Last evaluated: 2022-07-26. Review status: criteria provided, single submitter. Criteria: Invitae Variant Classification Sherloc (09022015). Collection method: clinical testing. Allele origin: germline.
Comment: This sequence change replaces glutamine, which is neutral and polar, with arginine, which is basic and polar, at codon 562 of the LRIT3 protein (p.Gln562Arg). This variant is not present in population databases (gnomAD no frequency). This variant has not been reported in the literature in individuals affected with LRIT3-related conditions. ClinVar contains an entry for this variant (Variation ID: 1516277). Algorithms developed to predict the effect of missense changes on protein structure and function output the following: SIFT: "Tolerated"; PolyPhen-2: "Benign"; Align-GVGD: "Class C0". The arginine amino acid residue is found in multiple mammalian species, which suggests that this missense change does not adversely affect protein function. In summary, the available evidence is currently insufficient to determine the role of this variant in disease. Therefore, it has been classified as a Variant of Uncertain Significance.